The following is an entry in ClinVar:

ClinVar aggregate classification (germline): Benign. Review status: criteria provided, multiple submitters, no conflicts (2 of 4 stars). 4 submissions from 4 submitters: Benign (3). 1 of the submissions does not count toward it. Last evaluated 2026-01-27.

Conditions:
FZD5-related disorder. Also called: FZD5-related condition.

Allele frequency attached by ClinVar (database versions not stated): ESP Exome Variant Server 0.00541; gnomAD exomes 0.01194 and 0.02792; gnomAD 0.01689 and 0.01829; TOPMed 0.01747; ExAC 0.02410; 1000 Genomes Project 30x 0.03310; 1000 Genomes Project 0.03454.
gnomAD v4.1: 20,402 of 1,612,560 alleles (1.3%); highest among the groups gnomAD compares: East Asian, 11%; 541 homozygotes.

Submissions (4):

Labcorp Genetics (formerly Invitae), Labcorp
Classification: Benign. Last evaluated: 2026-01-27. Review status: criteria provided, single submitter. Criteria: Invitae Variant Classification Sherloc (09022015). Collection method: clinical testing. Allele origin: germline.

GeneDx
Classification: Benign. Last evaluated: 2022-01-03. Review status: criteria provided, single submitter. Criteria: GeneDx Variant Classification Process June 2021. Collection method: clinical testing. Allele origin: germline. Affected: yes.

Breakthrough Genomics
Classification: Benign. Review status: criteria provided, single submitter. Criteria: ACMG Guidelines, 2015. Collection method: not provided. Allele origin: germline. Inheritance: Unknown mechanism. Affected: yes.

PreventionGenetics, part of Exact Sciences
Classification: Benign for FZD5-related condition. Last evaluated: 2019-08-21. Review status: no assertion criteria provided. Collection method: clinical testing. Allele origin: germline. Not counted in ClinVar's aggregate classification.
Comment: This variant is classified as benign based on ACMG/AMP sequence variant interpretation guidelines (Richards et al. 2015 PMID: 25741868, with internal and published modifications).

NM_003468.4(FZD5):c.1371C>T (p.Tyr457=)

Gene: FZD5 (frizzled class receptor 5; minus strand). Cytogenetic location: 2q33.3.
Variant type: single nucleotide variant.
Coding change: c.1371C>T on transcript NM_003468.4 (MANE Select); coding-DNA position 1371, C replaced by T.
Protein change: p.Tyr457=; no amino-acid change (tyrosine 457 retained).
Molecular consequence: synonymous variant.
Genome position (GRCh38, 1-based): chr2:207,767,369, G>A on the plus strand (C>T on the coding strand, the complement: FZD5 is on the minus strand). VCF-style: chr2-207767369-G-A. GRCh37 (hg19) VCF-style: chr2-208632093-G-A.
Identifiers: ClinVar variation 1331184 (VCV001331184.12), dbSNP rs3731567, ClinGen allele CA2076910.